The following is an entry in ClinVar:

NM_001079802.2(FKTN):c.505C>T (p.His169Tyr)

Gene: FKTN (fukutin; plus strand). Cytogenetic location: 9q31.2.
Variant type: single nucleotide variant.
Coding change: c.505C>T on transcript NM_001079802.2 (MANE Select); coding-DNA position 505, C replaced by T.
Protein change: p.His169Tyr; replaces histidine 169 with tyrosine.
Molecular consequence: missense variant. On other transcripts: non-coding transcript variant (2).
Genome position (GRCh38, 1-based): chr9:105,604,350, C>T. VCF-style: chr9-105604350-C-T. GRCh37 (hg19) VCF-style: chr9-108366631-C-T.
Other names: c.505C>T, p.His169Tyr (NM_001198963.2, NM_001351496.2, NM_001351498.2 and 1 more transcripts); c.436C>T, p.His146Tyr (NM_001351497.2); c.109C>T, p.His37Tyr (NM_001351499.2, NM_001351500.2, NM_001351501.2 and 1 more transcripts); short protein forms H37Y, H169Y, H146Y.
Identifiers: ClinVar variation 4841544 (VCV004841544.1).

ClinVar aggregate classification (germline): Uncertain significance (1 of 4 stars; one submission).

Conditions:
Cardiovascular phenotype. Identifiers: MedGen CN230736.

gnomAD v4.1: 1 of 1,614,176 alleles (0.000062%); highest among the groups gnomAD compares: Non-Finnish European, 0.000085%; no homozygotes.

Submission:

Ambry Genetics
Classification: Uncertain significance for Cardiovascular phenotype. Last evaluated: 2025-12-24. Review status: criteria provided, single submitter. Criteria: Ambry Variant Classification Scheme 2023. Collection method: clinical testing. Allele origin: germline.
Comment: The p.H169Y variant (also known as c.505C>T), located in coding exon 4 of the FKTN gene, results from a C to T substitution at nucleotide position 505. The histidine at codon 169 is replaced by tyrosine, an amino acid with similar properties. This amino acid position is conserved. In addition, the in silico prediction for this alteration is inconclusive. Based on the available evidence, the clinical significance of this variant remains unclear.